The following is an entry in ClinVar:

NM_001205293.3(CACNA1E):c.615T>C (p.Pro205=)

Gene: CACNA1E (calcium voltage-gated channel subunit alpha1 E; plus strand). Cytogenetic location: 1q25.3.
Variant type: single nucleotide variant.
Coding change: c.615T>C on transcript NM_001205293.3 (MANE Select); coding-DNA position 615, T replaced by C.
Protein change: p.Pro205=; no amino-acid change (proline 205 retained).
Molecular consequence: synonymous variant.
Genome position (GRCh38, 1-based): chr1:181,577,868, T>C. VCF-style: chr1-181577868-T-C. GRCh37 (hg19) VCF-style: chr1-181547004-T-C.
Other names: c.615T>C, p.Pro205= (NM_000721.4, NM_001205294.2).
Identifiers: ClinVar variation 3610893 (VCV003610893.2).

ClinVar aggregate classification (germline): Uncertain significance (1 of 4 stars; one submission).

gnomAD v4.1: 5 of 1,599,042 alleles (0.00031%); highest among the groups gnomAD compares: East Asian, 0.0022%; no homozygotes.

Submission:

Labcorp Genetics (formerly Invitae), Labcorp
Classification: Uncertain significance. Last evaluated: 2024-11-03. Review status: criteria provided, single submitter. Criteria: Invitae Variant Classification Sherloc (09022015). Collection method: clinical testing. Allele origin: germline.
Comment: This sequence change affects codon 205 of the CACNA1E mRNA. It is a 'silent' change, meaning that it does not change the encoded amino acid sequence of the CACNA1E protein. It affects a nucleotide within the consensus splice site. The frequency data for this variant in the population databases is considered unreliable, as metrics indicate poor data quality at this position in the gnomAD database. This variant has not been reported in the literature in individuals affected with CACNA1E-related conditions. Algorithms developed to predict the effect of sequence changes on RNA splicing suggest that this variant is not likely to affect RNA splicing. In summary, the available evidence is currently insufficient to determine the role of this variant in disease. Therefore, it has been classified as a Variant of Uncertain Significance.